The following is an entry in ClinVar:

ClinVar aggregate classification (germline): Likely pathogenic (1 of 4 stars; one submission).

Conditions:
Combined oxidative phosphorylation defect type 14. Also called: Combined oxidative phosphorylation deficiency 14. Identifiers: Orphanet 319519, MedGen C4755312, MONDO:0013986, OMIM 614946.

Submission:

Labcorp Genetics (formerly Invitae), Labcorp
Classification: Likely pathogenic for Combined oxidative phosphorylation defect type 14. Last evaluated: 2022-06-13. Review status: criteria provided, single submitter. Criteria: Invitae Variant Classification Sherloc (09022015). Collection method: clinical testing. Allele origin: germline.
Comment: In summary, the currently available evidence indicates that the variant is pathogenic, but additional data are needed to prove that conclusively. Therefore, this variant has been classified as Likely Pathogenic. This variant has not been reported in the literature in individuals affected with FARS2-related conditions. This variant results in a copy number gain of the genomic region encompassing exon(s) 6 of the FARS2 gene. While the exact position of this variant cannot be determined from the data, sub-genic copy number gains are generally in tandem (PMID: 25640679). This variant is predicted to be out-of-frame, and may result in an absent or disrupted protein product. Loss-of-function variants in FARS2 are known to be pathogenic (PMID: 22833457).

Literature cited by the submitters: PubMed 25640679; PubMed 22833457.

NC_000006.11:g.(?_5613382)_(5613573_?)dup

Gene: FARS2 (phenylalanyl-tRNA synthetase 2, mitochondrial; plus strand). Cytogenetic location: 6p25.1.
Variant type: Duplication.
Identifiers: ClinVar variation 1516342 (VCV001516342.5).